The following is an entry in ClinVar:

ClinVar aggregate classification (germline): Pathogenic (1 of 4 stars; one submission).

Conditions:
Griscelli syndrome type 2 (GS2). Also called: GRISCELLI SYNDROME WITH HEMOPHAGOCYTIC SYNDROME; PAID SYNDROME; PARTIAL ALBINISM AND IMMUNODEFICIENCY SYNDROME. Identifiers: Orphanet 381, Orphanet 79477, MedGen C1868679, MONDO:0011872, OMIM 607624.

Submission:

Labcorp Genetics (formerly Invitae), Labcorp
Classification: Pathogenic for Griscelli syndrome type 2. Last evaluated: 2018-09-20. Review status: criteria provided, single submitter. Criteria: Invitae Variant Classification Sherloc (09022015). Collection method: clinical testing. Allele origin: germline.
Comment: For these reasons, this variant has been classified as Pathogenic. This variant disrupts the C-terminus of the RAB27A protein. Other variant(s) that disrupt this region (p.Arg184*) have been determined to be pathogenic (PMID:¬†10835631,¬†19030707,¬†25071262). This suggests that variants that disrupt this region of the protein are likely to be causative of disease. This variant has not been reported in the literature in individuals with RAB27A-related disease. This variant is a sub-genic deletion of the genomic region encompassing exon 5 of the RAB27A gene. While this deletion is not anticipated to result in nonsense mediated decay, it is expected to create a truncated protein product.

NC_000015.10:g.(?_55223869)_(55224032_?)del

Gene: RAB27A (RAB27A, member RAS oncogene family; minus strand). Cytogenetic location: 15q21.3.
Variant type: Deletion.
Identifiers: ClinVar variation 639378 (VCV000639378.5).